The following is an entry in ClinVar:

NM_000553.6(WRN):c.1442_1443insT (p.Leu482fs)

Gene: WRN (WRN RecQ like helicase; plus strand). Cytogenetic location: 8p12.
Variant type: Insertion.
Coding change: c.1442_1443insT on transcript NM_000553.6 (MANE Select); coding-DNA positions 1442 to 1443, T inserted.
Protein change: p.Leu482fs; shifts the reading frame from leucine 482.
Molecular consequence: frameshift variant.
Genome position: GRCh38 VCF-style: chr8-31087786-A-AT. GRCh37 (hg19) VCF-style: chr8-30945302-A-AT.
Other names: short protein forms L482fs.
Identifiers: ClinVar variation 1453075 (VCV001453075.6), dbSNP rs2130155211, ClinGen allele CA2573142720.
Genomic context (GRCh38, chr8:31,087,786, plus strand): 5'-ATACGACACTGTCAGTGGTTTTGCTTTTAAGATTTCTTTTAAACTTTCAGTCTTTAGAAA[A>AT]CCTCAATAGTGGCACGGTAGAACCAACTCATTCTAAATGCTTAAAAATGGAAAGAAATCT-3'

ClinVar aggregate classification (germline): Pathogenic (1 of 4 stars; one submission).

Conditions:
Werner syndrome (WRN). Identifiers: Orphanet 902, MedGen C0043119, MONDO:0010196, OMIM 277700.

Submission:

Labcorp Genetics (formerly Invitae), Labcorp
Classification: Pathogenic for Werner syndrome. Last evaluated: 2021-12-16. Review status: criteria provided, single submitter. Criteria: Invitae Variant Classification Sherloc (09022015). Collection method: clinical testing. Allele origin: germline.
Comment: This sequence change creates a premature translational stop signal (p.Leu482Profs*3) in the WRN gene. It is expected to result in an absent or disrupted protein product. Loss-of-function variants in WRN are known to be pathogenic (PMID: 16673358). This variant is not present in population databases (gnomAD no frequency). This variant has not been reported in the literature in individuals affected with WRN-related conditions. For these reasons, this variant has been classified as Pathogenic.

Literature cited by the submitters: PubMed 16673358.